The following is an entry in ClinVar:

NM_001365276.2(TNXB):c.12525dup (p.Asn4176fs)

Genes: TNXB (tenascin XB; minus strand), LOC106780803 (tenascin XB recombination region; plus strand). Cytogenetic location: 6p21.33.
Variant type: Duplication.
Coding change: c.12525dup on transcript NM_001365276.2 (MANE Select); coding-DNA position 12525, one base duplicated (C; older notation c.12525dupC).
Protein change: p.Asn4176fs; shifts the reading frame from asparagine 4176.
Molecular consequence: frameshift variant.
Genome position (GRCh38, 1-based): chr6:32,041,879, G duplicated on the plus strand (C on the coding strand, the reverse complement: TNXB is on the minus strand); the first of 4 consecutive G bases (chr6:32,041,879-32,041,882); duplicating any one gives the same sequence. VCF-style (leftmost placement, unchanged base first): chr6-32041878-T-TG. GRCh37 (hg19) VCF-style: chr6-32009655-T-TG.
Other names: c.12519dup, p.Asn4174fs (NM_019105.8); c.1812dup, p.Asn605fs (NM_032470.4); short protein forms N4174fs, N4176fs, N605fs.
Identifiers: ClinVar variation 1328967 (VCV001328967.3), dbSNP rs2151879527, ClinGen allele CA2573052664.

ClinVar aggregate classification (germline): Uncertain significance (1 of 4 stars; one submission).

Conditions:
Ehlers-Danlos syndrome due to tenascin-X deficiency (EDSCLL1). Also called: EDS DUE TO TNX DEFICIENCY; TNX DEFICIENCY; TNXB-Related Classical-Like Ehlers-Danlos Syndrome; EHLERS-DANLOS SYNDROME, CLASSIC-LIKE; Ehlers-Danlos syndrome, classic-like, 1. Identifiers: Orphanet 230839, MedGen C1848029, MONDO:0011670, OMIM 606408.

Submission:

Center for Human Genetics and Genomic Medicine, Uniklinik Rwth Aachen
Classification: Uncertain significance for Ehlers-Danlos syndrome due to tenascin-X deficiency. Last evaluated: 2021-12-23. Review status: criteria provided, single submitter. Criteria: ACMG Guidelines, 2015. Collection method: clinical testing. Allele origin: unknown. Affected: yes.
Comment: The variant has not yet been reported in databases or in the literature. The duplication leads to a frameshift and, as a consequence, to an elongated protein; a possible pathomechanism remains yet unclear. The variant is therefore regarded as a variant of unknown significance.